The following is an entry in ClinVar:

ClinVar aggregate classification (germline): Uncertain significance. Review status: criteria provided, multiple submitters, no conflicts (2 of 4 stars). 5 submissions from 5 submitters: Uncertain significance (5). Last evaluated 2026-07-21.

Conditions:
Inborn genetic diseases. Identifiers: MedGen C0950123, MeSH D030342.
IFT172-related disorder. Also called: IFT172-related disorders; IFT172-related condition.
Short-rib thoracic dysplasia 10 with or without polydactyly (SRTD10). Identifiers: Orphanet 474, MedGen C3810175, MONDO:0014284, OMIM 615630.
Bardet-Biedl syndrome 20. Identifiers: MedGen C4310707, MONDO:0023670, OMIM 619471, MONDO:0014926.
Retinitis pigmentosa 71 (RP71). Identifiers: Orphanet 791, MedGen C4225342, MONDO:0014618, OMIM 616394.

Allele frequency attached by ClinVar (database versions not stated): TOPMed 0.00002.
gnomAD v4.1: 77 of 1,614,036 alleles (0.0048%); highest among the groups gnomAD compares: Non-Finnish European, 0.006%; no homozygotes.

Submissions (5):

PreventionGenetics, part of Exact Sciences
Classification: Uncertain significance for IFT172-related condition. Last evaluated: 2026-07-21. Review status: criteria provided, single submitter. Criteria: ACMG Guidelines, 2015. Collection method: clinical testing. Allele origin: germline.
Comment: The IFT172 c.2264G>C variant is predicted to result in the amino acid substitution p.Arg755Pro. To our knowledge, this variant has not been reported in the literature. This variant is reported in 0.0088% of alleles in individuals of European (non-Finnish) descent in gnomAD. An alternate nucleotide change affecting the same amino acid (c.2264G>A; p.Arg755Gln) has been reported in an individual clinically suspected to have an inherited retinal disease (Gao et al. 2019. PubMed ID: 31054281). At this time, the clinical significance of this variant is uncertain due to the absence of conclusive functional and genetic evidence.

Ambry Genetics
Classification: Uncertain significance for Inborn genetic diseases. Last evaluated: 2025-03-26. Review status: criteria provided, single submitter. Criteria: Ambry Variant Classification Scheme 2023. Collection method: clinical testing. Allele origin: germline.

Blueprint Genetics
Classification: Uncertain significance. Last evaluated: 2024-10-04. Review status: criteria provided, single submitter. Criteria: ACMG Guidelines, 2015. Collection method: clinical testing. Allele origin: germline.

Fulgent Genetics
Classification: Uncertain significance for Short-rib thoracic dysplasia 10 with or without polydactyly; Retinitis pigmentosa 71; Bardet-Biedl syndrome 20. Last evaluated: 2024-06-13. Review status: criteria provided, single submitter. Criteria: ACMG Guidelines, 2015. Collection method: clinical testing. Allele origin: germline.

Labcorp Genetics (formerly Invitae), Labcorp
Classification: Uncertain significance for Retinitis pigmentosa 71; Short-rib thoracic dysplasia 10 with or without polydactyly. Last evaluated: 2024-01-19. Review status: criteria provided, single submitter. Criteria: Invitae Variant Classification Sherloc (09022015). Collection method: clinical testing. Allele origin: germline.
Comment: This sequence change replaces arginine, which is basic and polar, with proline, which is neutral and non-polar, at codon 755 of the IFT172 protein (p.Arg755Pro). This variant is present in population databases (rs78631901, gnomAD 0.009%). This variant has not been reported in the literature in individuals affected with IFT172-related conditions. ClinVar contains an entry for this variant (Variation ID: 958328). Advanced modeling of protein sequence and biophysical properties (such as structural, functional, and spatial information, amino acid conservation, physicochemical variation, residue mobility, and thermodynamic stability) performed at Invitae indicates that this missense variant is not expected to disrupt IFT172 protein function with a negative predictive value of 80%. In summary, the available evidence is currently insufficient to determine the role of this variant in disease. Therefore, it has been classified as a Variant of Uncertain Significance.

NM_015662.3(IFT172):c.2264G>C (p.Arg755Pro)

Gene: IFT172 (intraflagellar transport 172; minus strand). Cytogenetic location: 2p23.3.
Variant type: single nucleotide variant.
Coding change: c.2264G>C on transcript NM_015662.3 (MANE Select); coding-DNA position 2264, G replaced by C.
Protein change: p.Arg755Pro; replaces arginine 755 with proline.
Molecular consequence: missense variant.
Genome position (GRCh38, 1-based): chr2:27,461,447, C>G on the plus strand (G>C on the coding strand, the complement: IFT172 is on the minus strand). VCF-style: chr2-27461447-C-G. GRCh37 (hg19) VCF-style: chr2-27684314-C-G.
Other names: c.2264G>C (NM_015662.1); short protein forms R755P.
Identifiers: ClinVar variation 958328 (VCV000958328.10), dbSNP rs78631901, ClinGen allele CA1580345.